The following is an entry in ClinVar:

ClinVar aggregate classification (germline): Likely pathogenic (1 of 4 stars; one submission).

Submission:

Dasa
Classification: Likely pathogenic. Last evaluated: 2025-09-22. Review status: criteria provided, single submitter. Criteria: DASA Assertion Criteria. Collection method: clinical testing. Allele origin: germline.
Comment: NM_020247.5(COQ8A):c.1162+1G>A affects a canonical splice site and is predicted to disrupt normal RNA splicing. Loss of function is an established disease mechanism for COQ8A-associated disorders. Also, this variant is absent from population databases. Based on the currently available evidence, this variant is classified as likely pathogenic.

NM_020247.5(COQ8A):c.1162+1G>A

Gene: COQ8A (coenzyme Q8A; plus strand). Cytogenetic location: 1q42.13.
Variant type: single nucleotide variant.
Coding change: c.1162+1G>A on transcript NM_020247.5 (MANE Select); the canonical splice donor site of the intron after coding-DNA position 1162, G replaced by A.
Molecular consequence: splice donor variant.
Genome position (GRCh38, 1-based): chr1:226,983,634, G>A. VCF-style: chr1-226983634-G-A. GRCh37 (hg19) VCF-style: chr1-227171335-G-A.
Identifiers: ClinVar variation 4856935 (VCV004856935.2).